The following is an entry in ClinVar:

NM_001199107.2(TBC1D24):c.983+7C>T

Gene: TBC1D24 (TBC1 domain family member 24; plus strand). Cytogenetic location: 16p13.3.
Variant type: single nucleotide variant.
Coding change: c.983+7C>T on transcript NM_001199107.2 (MANE Select); 7 bases into the intron after coding-DNA position 983, C replaced by T.
Molecular consequence: intron variant.
Genome position (GRCh38, 1-based): chr16:2,497,734, C>T. VCF-style: chr16-2497734-C-T. GRCh37 (hg19) VCF-style: chr16-2547735-C-T.
Other names: c.966-504C>T (NM_020705.3).
Identifiers: ClinVar variation 378704 (VCV000378704.11), dbSNP rs778459711, ClinGen allele CA7844118.
Genomic context (GRCh38, chr16:2,497,734, plus strand): 5'-TCTTCTCCATGTCCGTTGCTTTCTCCTGTTTTTCAGTGTGTCACTTTCTAAAAGGTAGGT[C>T]TGAAACTGTATCTGCACACCTGGCCTCTGTCTTTCCACCAGGCTGACTCTAGGCCAGCTG-3'

ClinVar aggregate classification (germline): Benign/Likely benign. Review status: criteria provided, multiple submitters, no conflicts (2 of 4 stars). 2 submissions from 2 submitters: Benign (1); Likely benign (1). Last evaluated 2025-05-27.

Conditions:
Developmental and epileptic encephalopathy, 1 (DEE1). Also called: X-linked infantile spasms; West's syndrome; Tonic spasms with clustering, arrest of psychomotor development and hypsarrhythmia on EEG; X-Linked Infantile Spasm Syndrome; OHTAHARA SYNDROME, X-LINKED; INFANTILE SPASM SYNDROME, X-LINKED 1. Identifiers: MedGen C3463992, MONDO:0010632, OMIM 308350. Disease mechanism: loss of function.
Autosomal dominant nonsyndromic hearing loss 65. Also called: TBC1D24-Related Autosomal Dominant Nonsyndromic Hearing Loss (DFNA); Deafness, autosomal dominant 65. Identifiers: Orphanet 90635, MedGen C3892048, MONDO:0014470, OMIM 616044.

Allele frequency attached by ClinVar (database versions not stated): ExAC 0.00008; gnomAD exomes 0.00008 and 0.00002; gnomAD 0.00001; TOPMed 0.00003.
gnomAD v4.1: 15 of 1,535,968 alleles (0.00098%); highest among the groups gnomAD compares: Admixed American, 0.027%; no homozygotes.

Submissions (2):

Labcorp Genetics (formerly Invitae), Labcorp
Classification: Likely benign for Developmental and epileptic encephalopathy, 1; Autosomal dominant nonsyndromic hearing loss 65. Last evaluated: 2025-05-27. Review status: criteria provided, single submitter. Criteria: Invitae Variant Classification Sherloc (09022015). Collection method: clinical testing. Allele origin: germline.

GeneDx
Classification: Benign. Last evaluated: 2015-07-31. Review status: criteria provided, single submitter. Criteria: GeneDx Variant Classification (06012015). Collection method: clinical testing. Allele origin: germline. Affected: yes.
Comment: This variant is considered likely benign or benign based on one or more of the following criteria: it is a conservative change, it occurs at a poorly conserved position in the protein, it is predicted to be benign by multiple in silico algorithms, and/or has population frequency not consistent with disease.